The following is an entry in ClinVar:

ClinVar aggregate classification (germline): Uncertain significance (1 of 4 stars; one submission).

Allele frequency attached by ClinVar (database versions not stated): gnomAD exomes below 0.00001.
gnomAD v4.1: 1 of 1,613,630 alleles (0.000062%); highest among the groups gnomAD compares: Non-Finnish European, 0.000085%; no homozygotes.

Submission:

Labcorp Genetics (formerly Invitae), Labcorp
Classification: Uncertain significance. Last evaluated: 2022-11-28. Review status: criteria provided, single submitter. Criteria: Invitae Variant Classification Sherloc (09022015). Collection method: clinical testing. Allele origin: germline.
Comment: This variant has not been reported in the literature in individuals affected with OPA1-related conditions. Advanced modeling of protein sequence and biophysical properties (such as structural, functional, and spatial information, amino acid conservation, physicochemical variation, residue mobility, and thermodynamic stability) performed at Invitae indicates that this missense variant is not expected to disrupt OPA1 protein function. In summary, the available evidence is currently insufficient to determine the role of this variant in disease. Therefore, it has been classified as a Variant of Uncertain Significance. This sequence change replaces serine, which is neutral and polar, with cysteine, which is neutral and slightly polar, at codon 509 of the OPA1 protein (p.Ser509Cys). This variant is not present in population databases (gnomAD no frequency).

NM_130837.3(OPA1):c.1691C>G (p.Ser564Cys)

Gene: OPA1 (OPA1 mitochondrial dynamin like GTPase; plus strand). Cytogenetic location: 3q29.
Variant type: single nucleotide variant.
Coding change: c.1691C>G on transcript NM_130837.3 (MANE Select); coding-DNA position 1691, C replaced by G.
Protein change: p.Ser564Cys; replaces serine 564 with cysteine.
Molecular consequence: missense variant.
Genome position (GRCh38, 1-based): chr3:193,645,737, C>G. VCF-style: chr3-193645737-C-G. GRCh37 (hg19) VCF-style: chr3-193363526-C-G.
Other names: c.1157C>G, p.Ser386Cys (NM_001354663.2); c.1154C>G, p.Ser385Cys (NM_001354664.2); c.1526C>G, p.Ser509Cys (NM_015560.3); c.1418C>G, p.Ser473Cys (NM_130831.3); c.1472C>G, p.Ser491Cys (NM_130832.3); c.1529C>G, p.Ser510Cys (NM_130833.3); c.1580C>G, p.Ser527Cys (NM_130834.3); c.1583C>G, p.Ser528Cys (NM_130835.3); and 1 more; short protein forms S491C, S510C, S509C, S527C, S546C, S564C, S385C, S386C.
Identifiers: ClinVar variation 1963467 (VCV001963467.5), dbSNP rs1734484200, ClinGen allele CA355790186.